The following is an entry in ClinVar:

NM_001370259.2(MEN1):c.745del (p.Leu249fs)

Gene: MEN1 (menin 1; minus strand). Cytogenetic location: 11q13.1.
Variant type: Deletion.
Coding change: c.745del on transcript NM_001370259.2 (MANE Select); coding-DNA position 745, one base deleted (C; older notation c.745delC).
Protein change: p.Leu249fs; shifts the reading frame from leucine 249.
Molecular consequence: frameshift variant. On other transcripts: non-coding transcript variant (4).
Genome position (GRCh38, 1-based): chr11:64,807,590, G deleted on the plus strand (C on the coding strand, the reverse complement: MEN1 is on the minus strand); the first of 2 consecutive G bases (chr11:64,807,590-64,807,591); deleting either gives the same sequence. VCF-style (leftmost placement, unchanged base first): chr11-64807589-AG-A. GRCh37 (hg19) VCF-style: chr11-64575061-AG-A.
Other names: c.760del, p.Leu254fs (NM_000244.4, NM_001407145.1, NM_001407150.1 and 5 more transcripts); c.745del, p.Leu249fs (NM_001370251.2, NM_001370260.2, NM_001370261.2 and 7 more transcripts); c.640del, p.Leu214fs (NM_001370262.2, NM_001370263.2, NM_001407148.1 and 2 more transcripts); short protein forms L249fs, L214fs, L254fs.
Identifiers: ClinVar variation 3653289 (VCV003653289.2).

ClinVar aggregate classification (germline): Pathogenic (1 of 4 stars; one submission).

Conditions:
Multiple endocrine neoplasia, type 1 (MEN1). Also called: MEN I; WERMER SYNDROME; Endocrine adenomatosis multiple; MEN 1; MEA I. Identifiers: Orphanet 652, MedGen C0025267, MeSH D018761, MONDO:0007540, OMIM 131100.

Submission:

Labcorp Genetics (formerly Invitae), Labcorp
Classification: Pathogenic for Multiple endocrine neoplasia, type 1. Last evaluated: 2024-05-14. Review status: criteria provided, single submitter. Criteria: Invitae Variant Classification Sherloc (09022015). Collection method: clinical testing. Allele origin: germline.
Comment: This sequence change creates a premature translational stop signal (p.Leu249Cysfs*32) in the MEN1 gene. It is expected to result in an absent or disrupted protein product. Loss-of-function variants in MEN1 are known to be pathogenic (PMID: 12112656, 17853334). This variant is not present in population databases (gnomAD no frequency). This variant has not been reported in the literature in individuals affected with MEN1-related conditions. For these reasons, this variant has been classified as Pathogenic.

Literature cited by the submitters: PubMed 12112656; PubMed 17853334.